The following is an entry in ClinVar:

ClinVar aggregate classification (germline): Likely benign (1 of 4 stars; one submission).

Conditions:
Hereditary breast ovarian cancer syndrome. Also called: Hereditary breast and ovarian cancer syndrome; Breast and ovarian cancer; Hereditary breast and ovarian cancer syndrome (HBOC); Hereditary breast and/or ovarian cancer syndrome; BRCA1- and BRCA2-Associated Hereditary Breast and Ovarian Cancer; Hereditary breast and ovarian cancer. Identifiers: Orphanet 145, MedGen C0677776, MeSH D061325, MONDO:0003582. Disease mechanism: loss of function.

Submissions (2):

Labcorp Genetics (formerly Invitae), Labcorp
Classification: Likely benign for Hereditary breast ovarian cancer syndrome. Last evaluated: 2016-12-26. Review status: criteria provided, single submitter. Criteria: Invitae Variant Classification Sherloc (09022015). Collection method: clinical testing. Allele origin: germline.

Brotman Baty Institute, University of Washington
No classification provided (evidence only). Condition: Breast-ovarian cancer, familial 1. Review status: no classification provided. Collection method: in vitro. Allele origin: not applicable. Functional consequence: functionally_normal. Not counted in ClinVar's aggregate classification.
ClinVar note: "not provided" was previously submitted as the classification for the variant. However, the classification appeared to be based only on an observation of functional data so it was converted to no classification on 2025-07-30.

NM_007294.4(BRCA1):c.5332+20C>G

Gene: BRCA1 (BRCA1 DNA repair associated; minus strand). Cytogenetic location: 17q21.31.
Variant type: single nucleotide variant.
Coding change: c.5332+20C>G on transcript NM_007294.4 (MANE Select); 20 bases into the intron after coding-DNA position 5332, C replaced by G.
Molecular consequence: intron variant.
Genome position (GRCh38, 1-based): chr17:43,051,043, G>C on the plus strand (C>G on the coding strand, the complement: BRCA1 is on the minus strand). VCF-style: chr17-43051043-G-C. GRCh37 (hg19) VCF-style: chr17-41203060-G-C.
Other names: c.1879+20C>G (NM_001408458.1, NM_001408461.1, NM_001408464.1 and 7 more transcripts); c.4441+20C>G (NM_001407967.1); c.4951+20C>G (NM_001407959.1); c.5065+20C>G (NM_001407931.1, NM_001407932.1, NM_001407928.1 and 4 more transcripts); c.5188+20C>G (NM_001407747.1, NM_001407745.1, NM_001407737.1 and 21 more transcripts); c.4948+20C>G (NM_001407962.1, NM_001407960.1); c.1519+20C>G (NM_001408512.1); c.1642+20C>G (NM_001408510.1); and 74 more.
Identifiers: ClinVar variation 415561 (VCV000415561.12), dbSNP rs1057521961, ClinGen allele CA16615345.